The following is an entry in ClinVar:

NM_000836.4(GRIN2D):c.3789G>A (p.Pro1263=)

Gene: GRIN2D (glutamate ionotropic receptor NMDA type subunit 2D; plus strand). Cytogenetic location: 19q13.33.
Variant type: single nucleotide variant.
Coding change: c.3789G>A on transcript NM_000836.4 (MANE Select); coding-DNA position 3789, G replaced by A.
Protein change: p.Pro1263=; no amino-acid change (proline 1263 retained).
Molecular consequence: synonymous variant.
Genome position (GRCh38, 1-based): chr19:48,443,715, G>A. VCF-style: chr19-48443715-G-A. GRCh37 (hg19) VCF-style: chr19-48946972-G-A.
Identifiers: ClinVar variation 1566103 (VCV001566103.34), dbSNP rs766874004, ClinGen allele CA9550870.

ClinVar aggregate classification (germline): Likely benign. Review status: criteria provided, multiple submitters, no conflicts (2 of 4 stars). 3 submissions from 3 submitters: Likely benign (3). Last evaluated 2025-12-09.

Allele frequency attached by ClinVar (database versions not stated): gnomAD exomes 0.00007 and 0.00052; gnomAD 0.00015 and 0.00016; TOPMed 0.00016; ExAC 0.00452.
gnomAD v4.1: 115 of 1,314,100 alleles (0.0088%); highest among the groups gnomAD compares: Middle Eastern, 0.029%; no homozygotes.

Submissions (3):

Labcorp Genetics (formerly Invitae), Labcorp
Classification: Likely benign. Last evaluated: 2025-12-09. Review status: criteria provided, single submitter. Criteria: Invitae Variant Classification Sherloc (09022015). Collection method: clinical testing. Allele origin: germline.

Blueprint Genetics
Classification: Likely benign. Last evaluated: 2024-03-05. Review status: criteria provided, single submitter. Criteria: ACMG Guidelines, 2015. Collection method: clinical testing. Allele origin: germline.

CeGaT Center for Human Genetics Tuebingen
Classification: Likely benign. Last evaluated: 2023-10-01. Review status: criteria provided, single submitter. Criteria: CeGaT Center For Human Genetics Tuebingen Variant Classification Criteria Version 2. Collection method: clinical testing. Allele origin: germline. Affected: yes. Observed: 1 variant allele.
Comment: GRIN2D: BP4, BP7